The following is an entry in ClinVar:

ClinVar aggregate classification (germline): Conflicting classifications of pathogenicity. Review status: criteria provided, conflicting classifications (1 of 4 stars). 2 submissions from 2 submitters: Uncertain significance (1); Likely benign (1). Last evaluated 2026-06-01.

Conditions:
Inborn genetic diseases. Identifiers: MedGen C0950123, MeSH D030342.

gnomAD v4.1: 61 of 1,614,118 alleles (0.0038%); highest among the groups gnomAD compares: Admixed American, 0.0067%; no homozygotes.

Submissions (2):

CeGaT Center for Human Genetics Tuebingen
Classification: Likely benign. Last evaluated: 2026-06-01. Review status: criteria provided, single submitter. Criteria: CeGaT Center For Human Genetics Tuebingen Variant Classification Criteria Version 2. Collection method: clinical testing. Allele origin: germline. Affected: yes. Observed: 2 variant alleles.
Comment: SPEN: BP4

Ambry Genetics
Classification: Uncertain significance for Inborn genetic diseases. Last evaluated: 2025-12-03. Review status: criteria provided, single submitter. Criteria: Ambry Variant Classification Scheme 2023. Collection method: clinical testing. Allele origin: germline.

NM_015001.3(SPEN):c.4921A>G (p.Ser1641Gly)

Gene: SPEN (spen family transcriptional repressor; plus strand). Cytogenetic location: 1p36.13.
Variant type: single nucleotide variant.
Coding change: c.4921A>G on transcript NM_015001.3 (MANE Select); coding-DNA position 4921, A replaced by G.
Protein change: p.Ser1641Gly; replaces serine 1641 with glycine.
Molecular consequence: missense variant.
Genome position (GRCh38, 1-based): chr1:15,931,161, A>G. VCF-style: chr1-15931161-A-G. GRCh37 (hg19) VCF-style: chr1-16257656-A-G.
Other names: short protein forms S1641G.
Identifiers: ClinVar variation 4632000 (VCV004632000.5).